The following is an entry in ClinVar:

ClinVar aggregate classification (germline): Uncertain significance. Review status: criteria provided, multiple submitters, no conflicts (2 of 4 stars). 3 submissions from 3 submitters: Uncertain significance (2). 1 of the submissions does not count toward it. Last evaluated 2024-07-25.

Conditions:
Neurodevelopmental disorder with hypotonia and variable intellectual and behavioral abnormalities. Identifiers: MedGen C5231423, MONDO:0032829, OMIM 618603.

Allele frequency attached by ClinVar (database versions not stated): TOPMed 0.00001.

Submissions (3):

Revvity Omics, Revvity
Classification: Uncertain significance for Neurodevelopmental disorder with hypotonia and variable intellectual and behavioral abnormalities. Last evaluated: 2024-07-25. Review status: criteria provided, single submitter. Criteria: ACMG Guidelines, 2015. Collection method: clinical testing. Allele origin: germline.

Baylor Genetics
Classification: Uncertain significance for Neurodevelopmental disorder with hypotonia and variable intellectual and behavioral abnormalities. Last evaluated: 2020-04-07. Review status: criteria provided, single submitter. Criteria: ACMG Guidelines, 2015. Collection method: clinical testing. Allele origin: unknown. Affected: yes.
Comment: This variant was determined to be of uncertain significance according to ACMG Guidelines, 2015 [PMID:25741868].

Human Genome Sequencing Center Clinical Lab, Baylor College of Medicine
Classification: Likely pathogenic for Neurodevelopmental disorder with hypotonia and variable intellectual and behavioral abnormalities. Last evaluated: 2020-05-08. Review status: no assertion criteria provided. Collection method: clinical testing. Allele origin: unknown. Affected: yes. Observed: 1 variant allele. Not counted in ClinVar's aggregate classification.
Comment: Pathogenicity supported by functional studies

NM_000937.5(POLR2A):c.83C>G (p.Pro28Arg)

Gene: POLR2A (RNA polymerase II subunit A; plus strand). Cytogenetic location: 17p13.1.
Variant type: single nucleotide variant.
Coding change: c.83C>G on transcript NM_000937.5 (MANE Select); coding-DNA position 83, C replaced by G.
Protein change: p.Pro28Arg; replaces proline 28 with arginine.
Molecular consequence: missense variant.
Genome position (GRCh38, 1-based): chr17:7,484,847, C>G. VCF-style: chr17-7484847-C-G. GRCh37 (hg19) VCF-style: chr17-7388166-C-G.
Other names: short protein forms P28R.
Identifiers: ClinVar variation 873141 (VCV000873141.3), dbSNP rs1388837601, ClinGen allele CA397849424.